The following is an entry in ClinVar:

ClinVar aggregate classification (germline): Likely benign. Review status: criteria provided, multiple submitters, no conflicts (2 of 4 stars). 2 submissions from 2 submitters: Likely benign (2). Last evaluated 2025-05-23.

Conditions:
Hereditary breast ovarian cancer syndrome. Also called: Hereditary breast and/or ovarian cancer syndrome; Hereditary breast and ovarian cancer syndrome; Hereditary breast and ovarian cancer syndrome (HBOC); Hereditary breast and ovarian cancer; BRCA1- and BRCA2-Associated Hereditary Breast and Ovarian Cancer; Breast and ovarian cancer. Identifiers: Orphanet 145, MedGen C0677776, MeSH D061325, MONDO:0003582. Disease mechanism: loss of function.

Allele frequency attached by ClinVar (database versions not stated): gnomAD exomes below 0.00001.
gnomAD v4.1: 1 of 1,613,552 alleles (0.000062%); highest among the groups gnomAD compares: Non-Finnish European, 0.000085%; no homozygotes.

Submissions (2):

Labcorp Genetics (formerly Invitae), Labcorp
Classification: Likely benign for Hereditary breast ovarian cancer syndrome. Last evaluated: 2025-05-23. Review status: criteria provided, single submitter. Criteria: Invitae Variant Classification Sherloc (09022015). Collection method: clinical testing. Allele origin: germline.

GeneDx
Classification: Likely benign. Last evaluated: 2016-11-01. Review status: criteria provided, single submitter. Criteria: GeneDx Variant Classification (06012015). Collection method: clinical testing. Allele origin: germline. Affected: yes.
Comment: This variant is considered likely benign or benign based on one or more of the following criteria: it is a conservative change, it occurs at a poorly conserved position in the protein, it is predicted to be benign by multiple in silico algorithms, and/or has population frequency not consistent with disease.

NM_000059.4(BRCA2):c.8754+19A>T

Gene: BRCA2 (BRCA2 DNA repair associated; plus strand). Cytogenetic location: 13q13.1.
Variant type: single nucleotide variant.
Coding change: c.8754+19A>T on transcript NM_000059.4 (MANE Select); 19 bases into the intron after coding-DNA position 8754, A replaced by T.
Molecular consequence: intron variant.
Genome position (GRCh38, 1-based): chr13:32,376,810, A>T. VCF-style: chr13-32376810-A-T. GRCh37 (hg19) VCF-style: chr13-32950947-A-T.
Identifiers: ClinVar variation 379025 (VCV000379025.10), dbSNP rs1057520471, ClinGen allele CA16607497.